The following is an entry in ClinVar:

NM_001098816.3(TENM4):c.7729G>T (p.Gly2577Cys)

Gene: TENM4 (teneurin transmembrane protein 4; minus strand). Cytogenetic location: 11q14.1.
Variant type: single nucleotide variant.
Coding change: c.7729G>T on transcript NM_001098816.3 (MANE Select); coding-DNA position 7729, G replaced by T.
Protein change: p.Gly2577Cys; replaces glycine 2577 with cysteine.
Molecular consequence: missense variant.
Genome position (GRCh38, 1-based): chr11:78,658,639, C>A on the plus strand (G>T on the coding strand, the complement: TENM4 is on the minus strand). VCF-style: chr11-78658639-C-A. GRCh37 (hg19) VCF-style: chr11-78369684-C-A.
Other names: p.Gly2577Cys; short protein forms G2577C.
Identifiers: ClinVar variation 787095 (VCV000787095.8), dbSNP rs61745704, ClinGen allele CA6206165.
Genomic context (GRCh38, chr11:78,658,639, plus strand): 5'-TGGCAGCAACCCTTCGCCCATCCTCATTGGCCACACTGATGATGTCTGTGGTCACTCGGC[C>A]ATCCTTCAAGGCAAACTTGACCCCCTTGCCAAAGACTGAGCCGCTGGATGCAAACTTCTT-3'
Protein context (NP_001092286.2, residues 2567-2587): GKGVKFALKD[Gly2577Cys]RVTTDIISVA

ClinVar aggregate classification (germline): Benign. Review status: criteria provided, multiple submitters, no conflicts (2 of 4 stars). 4 submissions from 4 submitters: Benign (3). 1 of the submissions does not count toward it. Last evaluated 2025-02-18.

Conditions:
TENM4-related disorder. Also called: TENM4-related condition.

Allele frequency attached by ClinVar (database versions not stated): ExAC 0.00388; ESP Exome Variant Server 0.01362; gnomAD exomes 0.00320; 1000 Genomes Project 30x 0.00999; 1000 Genomes Project 0.00958; gnomAD 0.01360; TOPMed 0.01437.
gnomAD v4.1: 3,644 of 1,614,056 alleles (0.23%); highest among the groups gnomAD compares: African/African-American, 4.5%; 77 homozygotes.

Submissions (4):

Mayo Clinic Laboratories, Mayo Clinic
Classification: Benign. Last evaluated: 2025-02-18. Review status: criteria provided, single submitter. Criteria: ACMG Guidelines, 2015. Collection method: clinical testing. Allele origin: germline. Observed: 2 variant alleles.
Comment: BS1, BS2

Labcorp Genetics (formerly Invitae), Labcorp
Classification: Benign. Last evaluated: 2019-12-31. Review status: criteria provided, single submitter. Criteria: Invitae Variant Classification Sherloc (09022015). Collection method: clinical testing. Allele origin: germline.

Breakthrough Genomics
Classification: Benign. Review status: criteria provided, single submitter. Criteria: ACMG Guidelines, 2015. Collection method: not provided. Allele origin: germline. Inheritance: Autosomal dominant inheritance. Affected: yes.

PreventionGenetics, part of Exact Sciences
Classification: Benign for TENM4-related condition. Last evaluated: 2023-12-01. Review status: no assertion criteria provided. Collection method: clinical testing. Allele origin: germline. Not counted in ClinVar's aggregate classification.
Comment: This variant is classified as benign based on ACMG/AMP sequence variant interpretation guidelines (Richards et al. 2015 PMID: 25741868, with internal and published modifications).